The following is an entry in ClinVar:

ClinVar aggregate classification (germline): Conflicting classifications of pathogenicity. Review status: criteria provided, conflicting classifications (1 of 4 stars). 2 submissions from 2 submitters: Uncertain significance (1); Likely benign (1). Last evaluated 2025-12-04.

Conditions:
Hereditary cancer-predisposing syndrome. Also called: Hereditary Cancer Syndrome; Hereditary neoplastic syndrome; Neoplastic Syndromes, Hereditary; Tumor predisposition. Identifiers: Orphanet 140162, MedGen C0027672, MeSH D009386, MONDO:0015356.
Familial cancer of breast. Also called: BREAST CANCER, FAMILIAL; hereditary breast carcinoma; Hereditary breast cancer. Identifiers: Orphanet 227535, MedGen C0346153, MONDO:0016419, OMIM 114480. Disease mechanism: loss of function.

Allele frequency attached by ClinVar (database versions not stated): gnomAD exomes below 0.00001.
gnomAD v4.1: 2 of 1,613,968 alleles (0.00012%); highest among the groups gnomAD compares: South Asian, 0.0022%; no homozygotes.

Submissions (2):

Labcorp Genetics (formerly Invitae), Labcorp
Classification: Uncertain significance for Familial cancer of breast. Last evaluated: 2025-12-04. Review status: criteria provided, single submitter. Criteria: Invitae Variant Classification Sherloc (09022015). Collection method: clinical testing. Allele origin: germline.
Comment: This sequence change replaces serine, which is neutral and polar, with cysteine, which is neutral and slightly polar, at codon 312 of the PALB2 protein (p.Ser312Cys). This variant is present in population databases (no rsID available, gnomAD 0.003%). This variant has not been reported in the literature in individuals affected with PALB2-related conditions. ClinVar contains an entry for this variant (Variation ID: 1766648). Invitae Evidence Modeling of protein sequence and biophysical properties (such as structural, functional, and spatial information, amino acid conservation, physicochemical variation, residue mobility, and thermodynamic stability) indicates that this missense variant is not expected to disrupt PALB2 protein function with a negative predictive value of 80%. In summary, the available evidence is currently insufficient to determine the role of this variant in disease. Therefore, it has been classified as a Variant of Uncertain Significance.

Ambry Genetics
Classification: Likely benign for Hereditary cancer-predisposing syndrome. Last evaluated: 2025-03-27. Review status: criteria provided, single submitter. Criteria: Ambry Variant Classification Scheme 2023. Collection method: clinical testing. Allele origin: germline.

NM_024675.4(PALB2):c.934A>T (p.Ser312Cys)

Gene: PALB2 (partner and localizer of BRCA2; minus strand). Cytogenetic location: 16p12.2.
Variant type: single nucleotide variant.
Coding change: c.934A>T on transcript NM_024675.4 (MANE Select); coding-DNA position 934, A replaced by T.
Protein change: p.Ser312Cys; replaces serine 312 with cysteine.
Molecular consequence: missense variant.
Genome position (GRCh38, 1-based): chr16:23,635,612, T>A on the plus strand (A>T on the coding strand, the complement: PALB2 is on the minus strand). VCF-style: chr16-23635612-T-A. GRCh37 (hg19) VCF-style: chr16-23646933-T-A.
Other names: c.874A>T, p.Ser292Cys (NM_001407296.1); c.934A>T, p.Ser312Cys (NM_001407297.1, NM_001407298.1, NM_001407299.1 and 3 more transcripts); c.49A>T, p.Ser17Cys (NM_001407304.1, NM_001407305.1, NM_001407306.1 and 5 more transcripts); short protein forms S17C, S292C, S312C.
Identifiers: ClinVar variation 1766648 (VCV001766648.6), dbSNP rs1401541483, ClinGen allele CA395135229.